The following is an entry in ClinVar:

NM_000219.6(KCNE1):c.169T>A (p.Phe57Ile)

Gene: KCNE1 (potassium voltage-gated channel subfamily E regulatory subunit 1; minus strand). Cytogenetic location: 21q22.12.
Variant type: single nucleotide variant.
Coding change: c.169T>A on transcript NM_000219.6 (MANE Select); coding-DNA position 169, T replaced by A.
Protein change: p.Phe57Ile; replaces phenylalanine 57 with isoleucine.
Molecular consequence: missense variant.
Genome position (GRCh38, 1-based): chr21:34,449,466, A>T on the plus strand (T>A on the coding strand, the complement: KCNE1 is on the minus strand). VCF-style: chr21-34449466-A-T. GRCh37 (hg19) VCF-style: chr21-35821764-A-T.
Other names: c.169T>A, p.Phe57Ile (NM_001127668.4, NM_001127669.4, NM_001127670.4 and 4 more transcripts); short protein forms F57I.
Identifiers: ClinVar variation 3374230 (VCV003374230.2).

Conditions:
Long QT syndrome 5 (LQT5). Identifiers: Orphanet 101016, Orphanet 768, MedGen C1867904, MONDO:0013372, OMIM 613695.

Submission:

Roden Lab, Vanderbilt University Medical Center
No classification provided (evidence only). Condition: Long QT syndrome 5. Review status: no classification provided. Collection method: in vitro. Allele origin: not applicable. Functional consequence: Effect on ion channel function.
ClinVar note: "not provided" was previously submitted as the classification for the variant. However, the classification appeared to be based only on an observation of functional data so it was converted to no classification on 2025-07-30.